The following is an entry in ClinVar:

NM_024334.3(TMEM43):c.787G>A (p.Val263Met)

Gene: TMEM43 (transmembrane protein 43; plus strand). Cytogenetic location: 3p25.1.
Variant type: single nucleotide variant.
Coding change: c.787G>A on transcript NM_024334.3 (MANE Select); coding-DNA position 787, G replaced by A.
Protein change: p.Val263Met; replaces valine 263 with methionine.
Molecular consequence: missense variant.
Genome position (GRCh38, 1-based): chr3:14,135,813, G>A. VCF-style: chr3-14135813-G-A. GRCh37 (hg19) VCF-style: chr3-14177313-G-A.
Other names: c.784G>A, p.Val262Met (NM_001407277.1, NM_001407275.1); c.772G>A, p.Val258Met (NM_001407278.1); c.712G>A, p.Val238Met (NM_001407279.1); c.637G>A, p.Val213Met (NM_001407280.1); c.790G>A, p.Val264Met (NM_001407274.1); c.787G>A, p.Val263Met (NM_001407276.1); short protein forms V258M, V213M, V238M, V262M, V264M, V263M.
Identifiers: ClinVar variation 4745246 (VCV004745246.1).

ClinVar aggregate classification (germline): Uncertain significance (1 of 4 stars; one submission).

Conditions:
Arrhythmogenic right ventricular dysplasia 5. Also called: Arrhythmogenic Right Ventricular Dysplasia/Cardiomyopathy 5; ARRHYTHMOGENIC RIGHT VENTRICULAR DYSPLASIA, FAMILIAL, 5. Identifiers: MedGen C1858379, MONDO:0011459, OMIM 604400.

Submission:

Labcorp Genetics (formerly Invitae), Labcorp
Classification: Uncertain significance for Arrhythmogenic right ventricular dysplasia 5. Last evaluated: 2025-06-27. Review status: criteria provided, single submitter. Criteria: Invitae Variant Classification Sherloc (09022015). Collection method: clinical testing. Allele origin: germline.
Comment: This sequence change replaces valine, which is neutral and non-polar, with methionine, which is neutral and non-polar, at codon 263 of the TMEM43 protein (p.Val263Met). This variant is present in population databases (no rsID available, gnomAD 0.003%). This variant has not been reported in the literature in individuals affected with TMEM43-related conditions. Invitae Evidence Modeling of protein sequence and biophysical properties (such as structural, functional, and spatial information, amino acid conservation, physicochemical variation, residue mobility, and thermodynamic stability) indicates that this missense variant is expected to disrupt TMEM43 protein function with a positive predictive value of 80%. In summary, the available evidence is currently insufficient to determine the role of this variant in disease. Therefore, it has been classified as a Variant of Uncertain Significance.